The following is an entry in ClinVar:

ClinVar aggregate classification (germline): Pathogenic (0 of 4 stars; one submission).

Conditions:
Alkaptonuria (AKU). Also called: Alkaptonuric ochronosis; Homogentisic acidura; Alcaptonuria; HOMOGENTISIC ACID OXIDASE DEFICIENCY. Identifiers: Orphanet 56, MedGen C0002066, MONDO:0008753, OMIM 203500.

Allele frequency attached by ClinVar (database versions not stated): 1000 Genomes Project 30x 0.00016; 1000 Genomes Project 0.00020.
gnomAD v4.1: 1 of 1,613,674 alleles (0.000062%); highest among the groups gnomAD compares: Non-Finnish European, 0.000085%; no homozygotes.

Submission:

Department Of Human Genetics, Institute Of Clinical And Translational Research, Biomedical Research Center, Slovak Academy Of Sciences
Classification: Pathogenic for Alkaptonuria. Review status: no assertion criteria provided. Collection method: research. Allele origin: germline. Inheritance: Autosomal recessive inheritance. Affected: yes. Observed: 2 variant alleles.
Comment: The variant was originally described in AKU patient in PMID:14978662. It has been submitted to the HGD gene mutation database (DB-ID: AKU_00064).

Literature cited by the submitters: PubMed 14978662.

NM_000187.4(HGD):c.593G>A (p.Gly198Asp)

Gene: HGD (homogentisate 1,2-dioxygenase; minus strand). Cytogenetic location: 3q13.33.
Variant type: single nucleotide variant.
Coding change: c.593G>A on transcript NM_000187.4 (MANE Select); coding-DNA position 593, G replaced by A.
Protein change: p.Gly198Asp; replaces glycine 198 with aspartic acid.
Molecular consequence: missense variant.
Genome position (GRCh38, 1-based): chr3:120,646,323, C>T on the plus strand (G>A on the coding strand, the complement: HGD is on the minus strand). VCF-style: chr3-120646323-C-T. GRCh37 (hg19) VCF-style: chr3-120365170-C-T.
Other names: short protein forms G198D.
Identifiers: ClinVar variation 2627712 (VCV002627712.1), dbSNP rs199536408, ClinGen allele CA81786737.